The following is an entry in ClinVar:

ClinVar aggregate classification (germline): Pathogenic (1 of 4 stars; one submission).

Conditions:
Autosomal recessive nonsyndromic hearing loss 77. Identifiers: Orphanet 90636, MedGen C2746083, MONDO:0013119, OMIM 613079.

Submission:

Myriad Genetics, Inc.
Classification: Pathogenic for Autosomal recessive nonsyndromic hearing loss 77. Last evaluated: 2026-07-27. Review status: criteria provided, single submitter. Criteria: Myriad Autosomal Dominant, Autosomal Recessive and X-Linked Classification Criteria (2023). Collection method: clinical testing. Allele origin: unknown.
Comment: NM_144612.6(LOXHD1):c.2974_2975insA(F992Yfs*29) is a frameshift variant classified as pathogenic in the context of nonsyndromic hearing loss, LOXHD1-related. F992Yfs*29 has not been observed in cases with relevant disease. Relevant functional assessments of this variant are not available in the literature. F992Yfs*29 has not been observed in referenced population frequency databases. In summary, NM_144612.6(LOXHD1):c.2974_2975insA(F992Yfs*29) is a frameshift variant in a gene where loss of function is a known mechanism of disease and is predicted to disrupt protein function. Please note: this variant was assessed in the context of healthy population screening.

NM_001384474.1(LOXHD1):c.2974_2975insA (p.Phe992fs)

Gene: LOXHD1 (lipoxygenase homology PLAT domains 1; minus strand). Cytogenetic location: 18q21.1.
Variant type: Insertion.
Coding change: c.2974_2975insA on transcript NM_001384474.1 (MANE Select); coding-DNA positions 2974 to 2975, A inserted.
Protein change: p.Phe992fs; shifts the reading frame from phenylalanine 992.
Molecular consequence: frameshift variant.
Genome position: GRCh38 VCF-style: chr18-46560169-A-AT. GRCh37 (hg19) VCF-style: chr18-44140132-A-AT.
Other names: c.2974_2975insA, p.Phe992fs (NM_144612.7); short protein forms F992fs.
Identifiers: ClinVar variation 5004817 (VCV005004817.1).